The following is an entry in ClinVar:

ClinVar aggregate classification (germline): Conflicting classifications of pathogenicity. Review status: criteria provided, conflicting classifications (1 of 4 stars). 2 submissions from 2 submitters: Uncertain significance (1); Likely benign (1). Last evaluated 2024-05-13.

Conditions:
Hereditary cancer-predisposing syndrome. Also called: Hereditary Cancer Syndrome; Neoplastic Syndromes, Hereditary; Tumor predisposition; Hereditary neoplastic syndrome. Identifiers: Orphanet 140162, MedGen C0027672, MeSH D009386, MONDO:0015356.
Hereditary nonpolyposis colorectal neoplasms. Identifiers: MedGen C0009405, MeSH D003123.

Allele frequency attached by ClinVar (database versions not stated): TOPMed below 0.00001.

Submissions (2):

Ambry Genetics
Classification: Likely benign for Hereditary cancer-predisposing syndrome. Last evaluated: 2024-05-13. Review status: criteria provided, single submitter. Criteria: Ambry Variant Classification Scheme 2023. Collection method: clinical testing. Allele origin: germline.

Labcorp Genetics (formerly Invitae), Labcorp
Classification: Uncertain significance for Hereditary nonpolyposis colorectal neoplasms. Last evaluated: 2024-01-27. Review status: criteria provided, single submitter. Criteria: Invitae Variant Classification Sherloc (09022015). Collection method: clinical testing. Allele origin: germline.
Comment: This sequence change replaces glycine, which is neutral and non-polar, with valine, which is neutral and non-polar, at codon 452 of the PMS2 protein (p.Gly452Val). This variant is not present in population databases (gnomAD no frequency). This variant has not been reported in the literature in individuals affected with PMS2-related conditions. ClinVar contains an entry for this variant (Variation ID: 480372). Advanced modeling of protein sequence and biophysical properties (such as structural, functional, and spatial information, amino acid conservation, physicochemical variation, residue mobility, and thermodynamic stability) performed at Invitae indicates that this missense variant is not expected to disrupt PMS2 protein function with a negative predictive value of 80%. In summary, the available evidence is currently insufficient to determine the role of this variant in disease. Therefore, it has been classified as a Variant of Uncertain Significance.

NM_000535.7(PMS2):c.1355G>T (p.Gly452Val)

Gene: PMS2 (PMS1 homolog 2, mismatch repair system component; minus strand). Cytogenetic location: 7p22.1.
Variant type: single nucleotide variant.
Coding change: c.1355G>T on transcript NM_000535.7 (MANE Select); coding-DNA position 1355, G replaced by T.
Protein change: p.Gly452Val; replaces glycine 452 with valine.
Molecular consequence: missense variant. On other transcripts: non-coding transcript variant (1).
Genome position (GRCh38, 1-based): chr7:5,987,410, C>A on the plus strand (G>T on the coding strand, the complement: PMS2 is on the minus strand). VCF-style: chr7-5987410-C-A. GRCh37 (hg19) VCF-style: chr7-6027041-C-A.
Other names: c.950G>T, p.Gly317Val (NM_001322003.2, NM_001322004.2, NM_001322005.2 and 1 more transcripts); c.1199G>T, p.Gly400Val (NM_001322006.2); c.1037G>T, p.Gly346Val (NM_001322007.2, NM_001322008.2); c.794G>T, p.Gly265Val (NM_001322010.2); c.422G>T, p.Gly141Val (NM_001322011.2, NM_001322012.2); c.782G>T, p.Gly261Val (NM_001322013.2); c.1355G>T, p.Gly452Val (NM_001322014.2); c.1046G>T, p.Gly349Val (NM_001322015.2); short protein forms G452V, G400V, G261V, G141V, G317V, G265V, G346V, G349V.
Identifiers: ClinVar variation 480372 (VCV000480372.16), dbSNP rs1490598044, ClinGen allele CA366742273.